The following is an entry in ClinVar:

ClinVar aggregate classification (germline): Pathogenic/Likely pathogenic. Review status: criteria provided, multiple submitters, no conflicts (2 of 4 stars). 2 submissions from 2 submitters: Pathogenic (1); Likely pathogenic (1). Last evaluated 2024-11-04.

Conditions:
Joubert syndrome 8 (JBTS8). Identifiers: Orphanet 475, MedGen C2676771, MONDO:0012855, OMIM 612291.

Submissions (2):

Labcorp Genetics (formerly Invitae), Labcorp
Classification: Pathogenic for Joubert syndrome 8. Last evaluated: 2024-11-04. Review status: criteria provided, single submitter. Criteria: Invitae Variant Classification Sherloc (09022015). Collection method: clinical testing. Allele origin: germline.
Comment: This sequence change creates a premature translational stop signal (p.Trp383Leufs*5) in the ARL13B gene. It is expected to result in an absent or disrupted protein product. Loss-of-function variants in ARL13B are known to be pathogenic (PMID: 18674751). This variant is present in population databases (rs770164363, gnomAD 0.006%). This variant has not been reported in the literature in individuals affected with ARL13B-related conditions. For these reasons, this variant has been classified as Pathogenic.

Fulgent Genetics
Classification: Likely pathogenic for Joubert syndrome 8. Last evaluated: 2024-03-24. Review status: criteria provided, single submitter. Criteria: ACMG Guidelines, 2015. Collection method: clinical testing. Allele origin: germline.

Literature cited by the submitters: PubMed 18674751 (cited by Labcorp Genetics (formerly Invitae), Labcorp).

NM_001174150.2(ARL13B):c.1147dup (p.Trp383fs)

Gene: ARL13B (ARF like GTPase 13B; plus strand). Cytogenetic location: 3q11.2.
Variant type: Duplication.
Coding change: c.1147dup on transcript NM_001174150.2 (MANE Select); coding-DNA position 1147, one base duplicated (T; older notation c.1147dupT).
Protein change: p.Trp383fs; shifts the reading frame from tryptophan 383.
Molecular consequence: frameshift variant. On other transcripts: non-coding transcript variant (2), intron variant (1).
Genome position (GRCh38, 1-based): chr3:94,050,829, T duplicated. VCF-style (leftmost placement, unchanged base first): chr3-94050828-C-CT. GRCh37 (hg19) VCF-style: chr3-93769672-C-CT.
Other names: c.838dup, p.Trp280fs (NM_001174151.2); c.1102dup, p.Trp368fs (NM_001321328.2); c.826dup, p.Trp276fs (NM_144996.4); c.1147dup, p.Trp383fs (NM_182896.3); c.1141+1307dup (NM_001410782.1); short protein forms W276fs, W280fs, W368fs, W383fs.
Identifiers: ClinVar variation 3589679 (VCV003589679.3).